The following is an entry in ClinVar:

ClinVar aggregate classification (germline): Uncertain significance (1 of 4 stars; one submission).

Conditions:
Focal segmental glomerulosclerosis 7 (FSGS7). Identifiers: Orphanet 656, MedGen C4014925, MONDO:0014451, OMIM 616002.
Renal coloboma syndrome (PAPRS). Also called: PAPILLORENAL SYNDROME; COLOBOMA OF OPTIC NERVE WITH RENAL DISEASE; OPTIC COLOBOMA, VESICOURETERAL REFLUX, AND RENAL ANOMALIES; OPTIC NERVE COLOBOMA WITH RENAL DISEASE; RENAL-COLOBOMA SYNDROME WITH MACULAR ABNORMALITIES; PAPILLORENAL SYNDROME WITH MILD OCULAR ABNORMALITIES. Identifiers: Orphanet 1475, MedGen C1852759, MONDO:0007352, OMIM 120330.

Submission:

Labcorp Genetics (formerly Invitae), Labcorp
Classification: Uncertain significance for Renal coloboma syndrome; Focal segmental glomerulosclerosis 7. Last evaluated: 2025-12-02. Review status: criteria provided, single submitter. Criteria: Invitae Variant Classification Sherloc (09022015). Collection method: clinical testing. Allele origin: germline.
Comment: This sequence change replaces arginine, which is basic and polar, with tryptophan, which is neutral and slightly polar, at codon 243 of the PAX2 protein (p.Arg243Trp). This variant is present in population databases (rs751964564, gnomAD 0.002%). This missense change has been observed in individual(s) with clinical features of PAX2-related conditions (PMID: 36549658). Experimental studies and prediction algorithms are not available or were not evaluated, and the functional significance of this variant is currently unknown. In summary, the available evidence is currently insufficient to determine the role of this variant in disease. Therefore, it has been classified as a Variant of Uncertain Significance.

Literature cited by the submitters: PubMed 36549658.

NM_000278.5(PAX2):c.727C>T (p.Arg243Trp)

Gene: PAX2 (paired box 2; plus strand). Cytogenetic location: 10q24.31.
Variant type: single nucleotide variant.
Coding change: c.727C>T on transcript NM_000278.5 (MANE Select); coding-DNA position 727, C replaced by T.
Protein change: p.Arg243Trp; replaces arginine 243 with tryptophan.
Molecular consequence: missense variant.
Genome position (GRCh38, 1-based): chr10:100,806,540, C>T. VCF-style: chr10-100806540-C-T. GRCh37 (hg19) VCF-style: chr10-102566297-C-T.
Other names: c.820C>T, p.Arg274Trp (NM_001304569.2); c.796C>T, p.Arg266Trp (NM_003987.5, NM_003990.5); c.727C>T, p.Arg243Trp (NM_003988.5, NM_003989.5); short protein forms R243W, R266W, R274W.
Identifiers: ClinVar variation 4787634 (VCV004787634.1).
Genomic context (GRCh38, chr10:100,806,540, plus strand): 5'-AGTTTGCGGAAGCACTTGCGAGCTGACACCTTCACCCAGCAGCAGCTGGAAGCTTTGGAT[C>T]GGGTCTTTGAGCGTCCTTCCTACCCTGACGTCTTCCAGGCATCAGAGCACATCAAATCAG-3'
Protein context (NP_000269.3, residues 233-253): FTQQQLEALD[Arg243Trp]VFERPSYPDV